The following is an entry in ClinVar:

ClinVar aggregate classification (germline): Uncertain significance. Review status: criteria provided, multiple submitters, no conflicts (2 of 4 stars). 2 submissions from 2 submitters: Uncertain significance (2). Last evaluated 2024-02-05.

Conditions:
Inborn genetic diseases. Identifiers: MedGen C0950123, MeSH D030342.

Allele frequency attached by ClinVar (database versions not stated): gnomAD exomes below 0.00001.
gnomAD v4.1: 1 of 1,546,336 alleles (0.000065%); highest among the groups gnomAD compares: Non-Finnish European, 0.000087%; no homozygotes.

Submissions (2):

Labcorp Genetics (formerly Invitae), Labcorp
Classification: Uncertain significance. Last evaluated: 2024-02-05. Review status: criteria provided, single submitter. Criteria: Invitae Variant Classification Sherloc (09022015). Collection method: clinical testing. Allele origin: germline.
Comment: This sequence change replaces phenylalanine, which is neutral and non-polar, with leucine, which is neutral and non-polar, at codon 2341 of the ATR protein (p.Phe2341Leu). This variant is not present in population databases (gnomAD no frequency). This variant has not been reported in the literature in individuals affected with ATR-related conditions. ClinVar contains an entry for this variant (Variation ID: 1756736). An algorithm developed to predict the effect of missense changes on protein structure and function (PolyPhen-2) suggests that this variant is likely to be disruptive. Algorithms developed to predict the effect of sequence changes on RNA splicing suggest that this variant may create or strengthen a splice site. In summary, the available evidence is currently insufficient to determine the role of this variant in disease. Therefore, it has been classified as a Variant of Uncertain Significance.

Ambry Genetics
Classification: Uncertain significance for Inborn genetic diseases. Last evaluated: 2024-02-02. Review status: criteria provided, single submitter. Criteria: Ambry Variant Classification Scheme 2023. Collection method: clinical testing. Allele origin: germline.
Comment: The p.F2341L variant (also known as c.7023C>A), located in coding exon 41 of the ATR gene, results from a C to A substitution at nucleotide position 7023. The phenylalanine at codon 2341 is replaced by leucine, an amino acid with highly similar properties. This amino acid position is conserved. In addition, this alteration is predicted to be deleterious by in silico analysis. Since supporting evidence is limited at this time, the clinical significance of this alteration remains unclear.

NM_001184.4(ATR):c.7023C>A (p.Phe2341Leu)

Gene: ATR (ATR checkpoint kinase; minus strand). Cytogenetic location: 3q23.
Variant type: single nucleotide variant.
Coding change: c.7023C>A on transcript NM_001184.4 (MANE Select); coding-DNA position 7023, C replaced by A.
Protein change: p.Phe2341Leu; replaces phenylalanine 2341 with leucine.
Molecular consequence: missense variant.
Genome position (GRCh38, 1-based): chr3:142,465,115, G>T on the plus strand (C>A on the coding strand, the complement: ATR is on the minus strand). VCF-style: chr3-142465115-G-T. GRCh37 (hg19) VCF-style: chr3-142183957-G-T.
Other names: c.6831C>A, p.Phe2277Leu (NM_001354579.2); short protein forms F2341L, F2277L.
Identifiers: ClinVar variation 1756736 (VCV001756736.4), dbSNP rs2108270894, ClinGen allele CA354800496.